The following is an entry in ClinVar:

NM_001429.4(EP300):c.6104A>G (p.Gln2035Arg)

Gene: EP300 (EP300 lysine acetyltransferase; plus strand). Cytogenetic location: 22q13.2.
Variant type: single nucleotide variant.
Coding change: c.6104A>G on transcript NM_001429.4 (MANE Select); coding-DNA position 6104, A replaced by G.
Protein change: p.Gln2035Arg; replaces glutamine 2035 with arginine.
Molecular consequence: missense variant.
Genome position (GRCh38, 1-based): chr22:41,177,815, A>G. VCF-style: chr22-41177815-A-G. GRCh37 (hg19) VCF-style: chr22-41573819-A-G.
Other names: c.6026A>G, p.Gln2009Arg (NM_001362843.2); short protein forms Q2009R, Q2035R.
Identifiers: ClinVar variation 4994357 (VCV004994357.1).

ClinVar aggregate classification (germline): Uncertain significance (1 of 4 stars; one submission).

Conditions:
EP300-related disorder. Also called: EP300-related condition; EP300-related disorders.

gnomAD v4.1: 2 of 1,614,116 alleles (0.00012%); highest among the groups gnomAD compares: East Asian, 0.0022%; no homozygotes.

Submission:

PreventionGenetics, part of Exact Sciences
Classification: Uncertain significance for EP300-related condition. Last evaluated: 2026-08-10. Review status: criteria provided, single submitter. Criteria: ACMG Guidelines, 2015. Collection method: clinical testing. Allele origin: germline.
Comment: The EP300 c.6104A>G variant is predicted to result in the amino acid substitution p.Gln2035Arg. To our knowledge, this variant has not been reported in the literature. This variant is reported in 0.0054% of alleles in individuals of East Asian descent in gnomAD. At this time, the clinical significance of this variant is uncertain due to the absence of conclusive functional and genetic evidence.